The following is an entry in ClinVar:

ClinVar aggregate classification (germline): Uncertain significance. Review status: criteria provided, multiple submitters, no conflicts (2 of 4 stars). 2 submissions from 2 submitters: Uncertain significance (2). Last evaluated 2025-09-03.

Conditions:
Kabuki syndrome. Also called: NIIKAWA-KUROKI SYNDROME; Kabuki make-up syndrome. Identifiers: Orphanet 2322, MedGen C0796004, MONDO:0016512.
KMT2D-related disorder. Also called: KMT2D-Related Disorders.

Submissions (2):

PreventionGenetics, part of Exact Sciences
Classification: Uncertain significance for KMT2D-related condition. Last evaluated: 2025-09-03. Review status: criteria provided, single submitter. Criteria: ACMG Guidelines, 2015. Collection method: clinical testing. Allele origin: germline.
Comment: The KMT2D c.916C>G variant is predicted to result in the amino acid substitution p.Pro306Ala. To our knowledge, this variant has not been reported in the literature or in a large population database (gnomAD), indicating this variant is rare. At this time, the clinical significance of this variant is uncertain due to the absence of conclusive functional and genetic evidence.

Labcorp Genetics (formerly Invitae), Labcorp
Classification: Uncertain significance for Kabuki syndrome. Last evaluated: 2021-12-29. Review status: criteria provided, single submitter. Criteria: Invitae Variant Classification Sherloc (09022015). Collection method: clinical testing. Allele origin: germline.
Comment: This sequence change replaces proline, which is neutral and non-polar, with alanine, which is neutral and non-polar, at codon 306 of the KMT2D protein (p.Pro306Ala). In summary, the available evidence is currently insufficient to determine the role of this variant in disease. Therefore, it has been classified as a Variant of Uncertain Significance. Algorithms developed to predict the effect of sequence changes on RNA splicing suggest that this variant may create or strengthen a splice site. Advanced modeling of protein sequence and biophysical properties (such as structural, functional, and spatial information, amino acid conservation, physicochemical variation, residue mobility, and thermodynamic stability) performed at Invitae indicates that this missense variant is not expected to disrupt KMT2D protein function. This variant has not been reported in the literature in individuals affected with KMT2D-related conditions. This variant is not present in population databases (gnomAD no frequency).

NM_003482.4(KMT2D):c.916C>G (p.Pro306Ala)

Gene: KMT2D (lysine methyltransferase 2D; minus strand). Cytogenetic location: 12q13.12.
Variant type: single nucleotide variant.
Coding change: c.916C>G on transcript NM_003482.4 (MANE Select); coding-DNA position 916, C replaced by G.
Protein change: p.Pro306Ala; replaces proline 306 with alanine.
Molecular consequence: missense variant.
Genome position (GRCh38, 1-based): chr12:49,053,245, G>C on the plus strand (C>G on the coding strand, the complement: KMT2D is on the minus strand). VCF-style: chr12-49053245-G-C. GRCh37 (hg19) VCF-style: chr12-49447028-G-C.
Other names: short protein forms P306A.
Identifiers: ClinVar variation 2195713 (VCV002195713.5), dbSNP rs2498464064, ClinGen allele CA384679594.